The following is an entry in ClinVar:

NM_001370259.2(MEN1):c.894A>C (p.Pro298=)

Gene: MEN1 (menin 1; minus strand). Cytogenetic location: 11q13.1.
Variant type: single nucleotide variant.
Coding change: c.894A>C on transcript NM_001370259.2 (MANE Select); coding-DNA position 894, A replaced by C.
Protein change: p.Pro298=; no amino-acid change (proline 298 retained).
Molecular consequence: synonymous variant. On other transcripts: non-coding transcript variant (4).
Genome position (GRCh38, 1-based): chr11:64,807,029, T>G on the plus strand (A>C on the coding strand, the complement: MEN1 is on the minus strand). VCF-style: chr11-64807029-T-G. GRCh37 (hg19) VCF-style: chr11-64574501-T-G.
Other names: c.909A>C, p.Pro303= (NM_000244.4, NM_001407145.1, NM_001407150.1 and 5 more transcripts); c.894A>C, p.Pro298= (NM_001370251.2, NM_001370260.2, NM_001370261.2 and 7 more transcripts); c.789A>C, p.Pro263= (NM_001370262.2, NM_001370263.2, NM_001407148.1 and 2 more transcripts).
Identifiers: ClinVar variation 2108286 (VCV002108286.6), dbSNP rs2497186557, ClinGen allele CA474983555.

ClinVar aggregate classification (germline): Benign/Likely benign. Review status: criteria provided, multiple submitters, no conflicts (2 of 4 stars). 3 submissions from 3 submitters: Benign (1); Likely benign (2). Last evaluated 2026-01-13.

Conditions:
Multiple endocrine neoplasia, type 1 (MEN1). Also called: MEN I; WERMER SYNDROME; Endocrine adenomatosis multiple; MEN 1; MEA I. Identifiers: Orphanet 652, MedGen C0025267, MeSH D018761, MONDO:0007540, OMIM 131100.
Hereditary cancer-predisposing syndrome. Also called: Hereditary Cancer Syndrome; Tumor predisposition; Neoplastic Syndromes, Hereditary; Hereditary neoplastic syndrome. Identifiers: Orphanet 140162, MedGen C0027672, MeSH D009386, MONDO:0015356.

Allele frequency attached by ClinVar (database versions not stated): gnomAD exomes below 0.00001.
gnomAD v4.1: 1 of 1,612,902 alleles (0.000062%); highest among the groups gnomAD compares: Non-Finnish European, 0.000085%; no homozygotes.

Submissions (3):

Labcorp Genetics (formerly Invitae), Labcorp
Classification: Likely benign for Multiple endocrine neoplasia, type 1. Last evaluated: 2026-01-13. Review status: criteria provided, single submitter. Criteria: Invitae Variant Classification Sherloc (09022015). Collection method: clinical testing. Allele origin: germline.

Ambry Genetics
Classification: Likely benign for Hereditary cancer-predisposing syndrome. Last evaluated: 2025-10-31. Review status: criteria provided, single submitter. Criteria: Ambry Variant Classification Scheme 2023. Collection method: clinical testing. Allele origin: germline.

Myriad Genetics, Inc.
Classification: Benign for Multiple endocrine neoplasia, type 1. Last evaluated: 2024-11-04. Review status: criteria provided, single submitter. Criteria: Myriad Autosomal Dominant, Autosomal Recessive and X-Linked Classification Criteria (2023). Collection method: clinical testing. Allele origin: unknown.
Comment: This variant is considered benign. This variant is a silent/synonymous amino acid change and it is not expected to impact splicing.